The following is an entry in ClinVar:

NM_001258392.3(CLPB):c.1840C>G (p.Pro614Ala)

Gene: CLPB (ClpB family mitochondrial disaggregase; minus strand). Cytogenetic location: 11q13.4.
Variant type: single nucleotide variant.
Coding change: c.1840C>G on transcript NM_001258392.3 (MANE Select); coding-DNA position 1840, C replaced by G.
Protein change: p.Pro614Ala; replaces proline 614 with alanine.
Molecular consequence: missense variant.
Genome position (GRCh38, 1-based): chr11:72,293,561, G>C on the plus strand (C>G on the coding strand, the complement: CLPB is on the minus strand). VCF-style: chr11-72293561-G-C. GRCh37 (hg19) VCF-style: chr11-72004605-G-C.
Other names: c.1753C>G, p.Pro585Ala (NM_001258393.3); c.1795C>G, p.Pro599Ala (NM_001258394.3); c.1930C>G, p.Pro644Ala (NM_030813.6); short protein forms P644A, P585A, P599A, P614A.
Identifiers: ClinVar variation 1032238 (VCV001032238.1), dbSNP rs1331493457, ClinGen allele CA381724679.
Genomic context (GRCh38, chr11:72,293,561, plus strand): 5'-GGCTTTTGAGTAGCTGCTTGTCTGAGTCCTCCACCGTGATGCGCAAAGTACAGCCCCCTG[G>C]CAGCAGGTCCTGCTCATAGGCTGCTGCCAGCTGGTTCACCACACGGCGTTCTACCTGTCG-3'
Protein context (NP_001245321.1, residues 604-624): LAAAYEQDLL[Pro614Ala]GGCTLRITVE

ClinVar aggregate classification (germline): Uncertain significance (1 of 4 stars; one submission).

Conditions:
3-methylglutaconic aciduria, type VIIB (MGCA7B). Also called: 3-methylglutaconic aciduria, type VII, with cataracts, neurologic involvement and neutropenia; 3-methylglutaconic aciduria with cataracts, neurologic involvement and neutropenia; CLPB Deficiency. Identifiers: Orphanet 445038, MedGen C5676893, MONDO:0014561, OMIM 616271.

Allele frequency attached by ClinVar (database versions not stated): TOPMed below 0.00001; gnomAD 0.00001.
gnomAD v4.1: 3 of 1,613,926 alleles (0.00019%); highest among the groups gnomAD compares: Non-Finnish European, 0.00025%; no homozygotes.

Submission:

Baylor Genetics
Classification: Uncertain significance for 3-methylglutaconic aciduria, type VIIB. Last evaluated: 2018-11-26. Review status: criteria provided, single submitter. Criteria: ACMG Guidelines, 2015. Collection method: clinical testing. Allele origin: paternal. Affected: yes.
Comment: This variant was determined to be of uncertain significance according to ACMG Guidelines, 2015 [PMID:25741868].